The following is an entry in ClinVar:

ClinVar aggregate classification (germline): Uncertain significance (1 of 4 stars; one submission).

Conditions:
Inborn genetic diseases. Identifiers: MedGen C0950123, MeSH D030342.

Submission:

Ambry Genetics
Classification: Uncertain significance for Inborn genetic diseases. Last evaluated: 2026-01-25. Review status: criteria provided, single submitter. Criteria: Ambry Variant Classification Scheme 2023. Collection method: clinical testing. Allele origin: germline.
Comment: The p.D439H variant (also known as c.1315G>C), located in coding exon 12 of the AKT1 gene, results from a G to C substitution at nucleotide position 1315. The aspartic acid at codon 439 is replaced by histidine, an amino acid with similar properties. This amino acid position is conserved. In addition, this alteration is predicted to be deleterious by in silico analysis. Based on the available evidence, the clinical significance of this variant remains unclear.

NM_001382430.1(AKT1):c.1315G>C (p.Asp439His)

Gene: AKT1 (AKT serine/threonine kinase 1; minus strand). Cytogenetic location: 14q32.33.
Variant type: single nucleotide variant.
Coding change: c.1315G>C on transcript NM_001382430.1 (MANE Select); coding-DNA position 1315, G replaced by C.
Protein change: p.Asp439His; replaces aspartic acid 439 with histidine.
Molecular consequence: missense variant.
Genome position (GRCh38, 1-based): chr14:104,770,793, C>G on the plus strand (G>C on the coding strand, the complement: AKT1 is on the minus strand). VCF-style: chr14-104770793-C-G. GRCh37 (hg19) VCF-style: chr14-105237130-C-G.
Other names: c.1315G>C, p.Asp439His (NM_001014431.2, NM_001014432.2, NM_001382431.1 and 3 more transcripts); short protein forms D439H.
Identifiers: ClinVar variation 4825726 (VCV004825726.1).